The following is an entry in ClinVar:

ClinVar aggregate classification (germline): Uncertain significance (1 of 4 stars; one submission).

Submission:

Ambry Genetics
Classification: Uncertain significance. Last evaluated: 2026-04-23. Review status: criteria provided, single submitter. Criteria: Ambry Variant Classification Scheme 2023. Collection method: clinical testing. Allele origin: germline.
Comment: The p.Q65K variant (also known as c.193C>A), located in coding exon 2 of the PKP4 gene, results from a C to A substitution at nucleotide position 193. The glutamine at codon 65 is replaced by lysine, an amino acid with similar properties. This amino acid position is conserved. In addition, this alteration is predicted to be deleterious by in silico analysis. Based on the available evidence, the clinical significance of this variant remains unclear.

NM_003628.6(PKP4):c.193C>A (p.Gln65Lys)

Gene: PKP4 (plakophilin 4; plus strand). Cytogenetic location: 2q24.1.
Variant type: single nucleotide variant.
Coding change: c.193C>A on transcript NM_003628.6 (MANE Select); coding-DNA position 193, C replaced by A.
Protein change: p.Gln65Lys; replaces glutamine 65 with lysine.
Molecular consequence: missense variant. On other transcripts: 5 prime UTR variant (1).
Genome position (GRCh38, 1-based): chr2:158,577,331, C>A. VCF-style: chr2-158577331-C-A. GRCh37 (hg19) VCF-style: chr2-159433843-C-A.
Other names: c.193C>A, p.Gln65Lys (NM_001377226.1, NM_001005476.4, NM_001304969.3 and 9 more transcripts); c.-757C>A (NM_001304970.3); short protein forms Q65K.
Identifiers: ClinVar variation 4862016 (VCV004862016.1).